The following is an entry in ClinVar:

NC_000014.8:g.(?_95556825)_(95563060_?)dup

Gene: DICER1 (dicer 1, ribonuclease III; minus strand). Cytogenetic location: 14q32.13.
Variant type: Duplication.
Identifiers: ClinVar variation 651828 (VCV000651828.2).

ClinVar aggregate classification (germline): Uncertain significance (1 of 4 stars; one submission).

Conditions:
DICER1-related tumor predisposition. Also called: DICER1-related pleuropulmonary blastoma cancer predisposition syndrome; DICER1 syndrome. Identifiers: Orphanet 284343, MedGen C3839822, MONDO:0100216.

Submission:

Labcorp Genetics (formerly Invitae), Labcorp
Classification: Uncertain significance for DICER1-related pleuropulmonary blastoma cancer predisposition syndrome. Last evaluated: 2018-12-31. Review status: criteria provided, single submitter. Criteria: Invitae Variant Classification Sherloc (09022015). Collection method: clinical testing. Allele origin: germline.
Comment: This variant results in a copy number gain of the genomic region encompassing exons 23-27 of the DICER1 gene. The 5' boundary is likely confined to intron 22. The 3' end of this event is unknown as it extends beyond the assayed region for this gene and therefore may encompass additional genes. As the precise location of this event is unknown, it may be in tandem or it may be located elsewhere in the genome. This variant has not been reported in the literature in individuals with DICER1-related conditions. Experimental studies and prediction algorithms are not available for this variant, and the functional significance of the affected amino acid(s) is currently unknown. In summary, the available evidence is currently insufficient to determine the role of this variant in disease. Therefore, it has been classified as a Variant of Uncertain Significance.